The following is an entry in ClinVar:

NM_182961.4(SYNE1):c.19461A>G (p.Leu6487=)

Gene: SYNE1 (spectrin repeat containing nuclear envelope protein 1; minus strand). Cytogenetic location: 6q25.2.
Variant type: single nucleotide variant.
Coding change: c.19461A>G on transcript NM_182961.4 (MANE Select); coding-DNA position 19461, A replaced by G.
Protein change: p.Leu6487=; no amino-acid change (leucine 6487 retained).
Molecular consequence: synonymous variant.
Genome position (GRCh38, 1-based): chr6:152,254,889, T>C on the plus strand (A>G on the coding strand, the complement: SYNE1 is on the minus strand). VCF-style: chr6-152254889-T-C. GRCh37 (hg19) VCF-style: chr6-152576024-T-C.
Other names: c.19248A>G, p.Leu6416= (NM_033071.5).
Identifiers: ClinVar variation 3358242 (VCV003358242.1).
Genomic context (GRCh38, chr6:152,254,889, plus strand): 5'-TACTGAATACCTAGAGAATGGTCACGTATCCTTTGATAATATCTTACTTACCTGGAAATT[T>C]AGTATTTGCTGAAGTCTTTCTTTCATCTGATGACATCGTTGATTCACTACTGAGTCTAGC-3'
Protein context (NP_892006.3, residues 6477-6497): HQMKERLQQI[Leu6487=]NFQNDLKVLF

ClinVar aggregate classification (germline): Likely benign (0 of 4 stars; one submission).

Conditions:
SYNE1-related disorder. Also called: SYNE1-related disease; SYNE1-related condition; SYNE1-related disorders.

gnomAD v4.1: 8 of 1,613,532 alleles (0.0005%); highest among the groups gnomAD compares: Non-Finnish European, 0.00068%; no homozygotes.

Submission:

PreventionGenetics, part of Exact Sciences
Classification: Likely benign for SYNE1-related condition. Last evaluated: 2024-08-05. Review status: no assertion criteria provided. Collection method: clinical testing. Allele origin: germline.
Comment: This variant is classified as likely benign based on ACMG/AMP sequence variant interpretation guidelines (Richards et al. 2015 PMID: 25741868, with internal and published modifications).